The following is an entry in ClinVar:

ClinVar aggregate classification (germline): Uncertain significance (1 of 4 stars; one submission).

Conditions:
Progressive sclerosing poliodystrophy (MTDPS4A). Also called: ALPERS PROGRESSIVE INFANTILE POLIODYSTROPHY; NEURONAL DEGENERATION OF CHILDHOOD WITH LIVER DISEASE, PROGRESSIVE; Alpers Syndrome; ALPERS DIFFUSE DEGENERATION OF CEREBRAL GRAY MATTER WITH HEPATIC CIRRHOSIS; Alpers-Huttenlocher Syndrome; Mitochondrial DNA depletion syndrome 4A (Alpers type). Identifiers: Orphanet 726, MedGen C0205710, MONDO:0008758, OMIM 203700.

Submission:

Labcorp Genetics (formerly Invitae), Labcorp
Classification: Uncertain significance for Progressive sclerosing poliodystrophy. Last evaluated: 2022-02-25. Review status: criteria provided, single submitter. Criteria: Invitae Variant Classification Sherloc (09022015). Collection method: clinical testing. Allele origin: germline.
Comment: In summary, the available evidence is currently insufficient to determine the role of this variant in disease. Therefore, it has been classified as a Variant of Uncertain Significance. Experimental studies and prediction algorithms are not available or were not evaluated, and the functional significance of this variant is currently unknown. This variant has not been reported in the literature in individuals affected with POLG-related conditions. This variant is not present in population databases (gnomAD no frequency). This variant, c.125_145dup, results in the insertion of 7 amino acid(s) of the POLG protein (p.Arg42_Gln48dup), but otherwise preserves the integrity of the reading frame.

NM_002693.3(POLG):c.125_145dup (p.Arg42_Gln48dup)

Genes: POLG (DNA polymerase gamma, catalytic subunit; minus strand), POLGARF (POLG alternative reading frame; minus strand). Cytogenetic location: 15q26.1.
Variant type: Duplication.
Coding change: c.125_145dup on transcript NM_002693.3 (MANE Select); coding-DNA positions 125 to 145, 21 bases duplicated (GGCAGCAGCAGCAGCAGCAGC).
Protein change: p.Arg42_Gln48dup.
Molecular consequence: inframe insertion.
Genome position (GRCh38, 1-based): chr15:89,333,610-89,333,630, GCTGCTGCTGCTGCTGCTGCC duplicated on the plus strand (GGCAGCAGCAGCAGCAGCAGC on the coding strand, the reverse complement: POLG is on the minus strand); duplicating any 21 consecutive bases within chr15:89,333,610-89,333,632 gives the same sequence; the c. name uses the placement nearest the transcript's 3' end. VCF-style (leftmost placement, unchanged base first): chr15-89333609-T-TGCTGCTGCTGCTGCTGCTGCC. GRCh37 (hg19) VCF-style: chr15-89876840-T-TGCTGCTGCTGCTGCTGCTGCC.
Other names: c.125_145dup, p.Arg42_Gln48dup (NM_001126131.2).
Identifiers: ClinVar variation 1442197 (VCV001442197.6), dbSNP rs758359050, ClinGen allele CA2573151278.
Genomic context (GRCh38, chr15:89,333,609, plus strand): 5'-AGCTGCCCGCCCTCCGAGGATAGCACTTGCGGCTGCTGAGGCTGCTGTTGCTGCTGCTGC[T>TGCTGCTGCTGCTGCTGCTGCC]GCTGCTGCTGCTGCTGCTGCCGCCGCCGCTGCCCGTCGCTGGGGTCGGACGCGGGGACGG-3'